The following is an entry in ClinVar:

ClinVar aggregate classification (germline): Uncertain significance (1 of 4 stars; one submission).

Conditions:
Oligodontia-cancer predisposition syndrome. Also called: TOOTH AGENESIS-COLORECTAL CANCER SYNDROME. Identifiers: Orphanet 300576, MedGen C1837750, MONDO:0012075, OMIM 608615. Disease mechanism: loss of function.

Submission:

Labcorp Genetics (formerly Invitae), Labcorp
Classification: Uncertain significance for Oligodontia-cancer predisposition syndrome. Last evaluated: 2025-08-11. Review status: criteria provided, single submitter. Criteria: Invitae Variant Classification Sherloc (09022015). Collection method: clinical testing. Allele origin: germline.
Comment: This sequence change replaces proline, which is neutral and non-polar, with leucine, which is neutral and non-polar, at codon 65 of the AXIN2 protein (p.Pro65Leu). This variant is not present in population databases (gnomAD no frequency). This variant has not been reported in the literature in individuals affected with AXIN2-related conditions. Invitae Evidence Modeling of protein sequence and biophysical properties (such as structural, functional, and spatial information, amino acid conservation, physicochemical variation, residue mobility, and thermodynamic stability) indicates that this missense variant is expected to disrupt AXIN2 protein function with a positive predictive value of 80%. In summary, the available evidence is currently insufficient to determine the role of this variant in disease. Therefore, it has been classified as a Variant of Uncertain Significance.

NM_004655.4(AXIN2):c.194C>T (p.Pro65Leu)

Gene: AXIN2 (axin 2; minus strand). Cytogenetic location: 17q24.1.
Variant type: single nucleotide variant.
Coding change: c.194C>T on transcript NM_004655.4 (MANE Select); coding-DNA position 194, C replaced by T.
Protein change: p.Pro65Leu; replaces proline 65 with leucine.
Molecular consequence: missense variant.
Genome position (GRCh38, 1-based): chr17:65,558,427, G>A on the plus strand (C>T on the coding strand, the complement: AXIN2 is on the minus strand). VCF-style: chr17-65558427-G-A. GRCh37 (hg19) VCF-style: chr17-63554545-G-A.
Other names: c.194C>T, p.Pro65Leu (NM_001363813.1); short protein forms P65L.
Identifiers: ClinVar variation 4743035 (VCV004743035.1).